The following is an entry in ClinVar:

NM_017654.4(SAMD9):c.3066G>A (p.Met1022Ile)

Gene: SAMD9 (sterile alpha motif domain containing 9; minus strand). Cytogenetic location: 7q21.2.
Variant type: single nucleotide variant.
Coding change: c.3066G>A on transcript NM_017654.4 (MANE Select); coding-DNA position 3066, G replaced by A.
Protein change: p.Met1022Ile; replaces methionine 1022 with isoleucine.
Molecular consequence: missense variant.
Genome position (GRCh38, 1-based): chr7:93,103,032, C>T on the plus strand (G>A on the coding strand, the complement: SAMD9 is on the minus strand). VCF-style: chr7-93103032-C-T. GRCh37 (hg19) VCF-style: chr7-92732345-C-T.
Other names: c.3066G>A, p.Met1022Ile (NM_001193307.2); short protein forms M1022I.
Identifiers: ClinVar variation 3359616 (VCV003359616.2).
Genomic context (GRCh38, chr7:93,103,032, plus strand): 5'-TTCATCGCGGTGTCTTGTGAGTAGGAGTGTGTGCATATCTTGCAAAAATTTACTTTTTCC[C>T]ATACCAGTATCGAAGAACAAATTCTCAGTTAGCATATCCAACATAATTTGACTTTTATTC-3'
Protein context (NP_060124.2, residues 1012-1032): LTENLFFDTG[Met1022Ile]GKSKFLQDMH

ClinVar aggregate classification (germline): Conflicting classifications of pathogenicity. Review status: criteria provided, conflicting classifications (1 of 4 stars). 2 submissions from 2 submitters: Uncertain significance (1); Likely benign (1). Last evaluated 2025-10-14.

Conditions:
Inborn genetic diseases. Identifiers: MedGen C0950123, MeSH D030342.

Submissions (2):

Ambry Genetics
Classification: Likely benign for Inborn genetic diseases. Last evaluated: 2025-10-14. Review status: criteria provided, single submitter. Criteria: Ambry Variant Classification Scheme 2023. Collection method: clinical testing. Allele origin: germline.

GeneDx
Classification: Uncertain significance. Last evaluated: 2023-06-05. Review status: criteria provided, single submitter. Criteria: GeneDx Variant Classification Process June 2021. Collection method: clinical testing. Allele origin: germline. Affected: yes.
Comment: Not observed at significant frequency in large population cohorts (gnomAD); In silico analysis supports that this missense variant does not alter protein structure/function; Has not been previously published as pathogenic or benign to our knowledge; This variant is associated with the following publications: (PMID: 28545555)